The following is an entry in ClinVar:

ClinVar aggregate classification (germline): Conflicting classifications of pathogenicity. Review status: criteria provided, conflicting classifications (1 of 4 stars). 2 submissions from 2 submitters: Likely pathogenic (1); Uncertain significance (1). Last evaluated 2025-07-30.

Conditions:
Hereditary insensitivity to pain with anhidrosis (CIPA). Also called: INSENSITIVITY TO PAIN, CONGENITAL, WITH ANHIDROSIS; HSAN Type IV; FAMILIAL DYSAUTONOMIA, TYPE II; NEUROPATHY, CONGENITAL SENSORY, WITH ANHIDROSIS; NTRK1 Congenital Insensitivity to Pain with Anhidrosis; hereditary sensory and autonomic neuropathy type 4. Identifiers: Orphanet 642, MedGen C0020074, MONDO:0009746, OMIM 256800.

Allele frequency attached by ClinVar (database versions not stated): gnomAD exomes below 0.00001; TOPMed below 0.00001.
gnomAD v4.1: 1 of 1,613,346 alleles (0.000062%); highest among the groups gnomAD compares: East Asian, 0.0022%; no homozygotes.

Submissions (2):

Women's Health and Genetics/Laboratory Corporation of America, LabCorp
Classification: Uncertain significance. Last evaluated: 2025-07-30. Review status: criteria provided, single submitter. Criteria: LabCorp Variant Classification Summary - May 2015. Collection method: clinical testing. Allele origin: germline.
Comment: Variant summary: NTRK1 c.2126T>C (p.Val709Ala) results in a non-conservative amino acid change in the encoded protein sequence. Algorithms developed to predict the effect of missense changes on protein structure and function all suggest that this variant is likely to be disruptive. The variant was absent in 251234 control chromosomes. c.2126T>C has been observed in at least one individual affected with Hereditary insensitivity to pain with anhidrosis (example: Indo_2001). These data do not allow any conclusion about variant significance. A different variant affecting the same codon has been classified as likely pathogenic by our lab (c.2125G>C, p.Val709Leu), supporting the critical relevance of codon 709 to NTRK1 protein function. To our knowledge, no experimental evidence demonstrating an impact on protein function has been reported. The following publication has been ascertained in the context of this evaluation (PMID: 11668614). ClinVar contains an entry for this variant (Variation ID: 3251793). Based on the evidence outlined above, the variant was classified as VUS-possibly pathogenic.

Labcorp Genetics (formerly Invitae), Labcorp
Classification: Likely pathogenic for Hereditary insensitivity to pain with anhidrosis. Last evaluated: 2024-10-14. Review status: criteria provided, single submitter. Criteria: Invitae Variant Classification Sherloc (09022015). Collection method: clinical testing. Allele origin: germline.
Comment: This sequence change replaces valine, which is neutral and non-polar, with alanine, which is neutral and non-polar, at codon 709 of the NTRK1 protein (p.Val709Ala). This variant is not present in population databases (gnomAD no frequency). This missense change has been observed in individual(s) with clinical features of hereditary sensory and autonomic neuropathy (PMID: 11668614). In at least one individual the data is consistent with being in trans (on the opposite chromosome) from a pathogenic variant. Invitae Evidence Modeling of protein sequence and biophysical properties (such as structural, functional, and spatial information, amino acid conservation, physicochemical variation, residue mobility, and thermodynamic stability) indicates that this missense variant is expected to disrupt NTRK1 protein function with a positive predictive value of 80%. This variant disrupts the p.Val709 amino acid residue in NTRK1. Other variant(s) that disrupt this residue have been determined to be pathogenic (PMID: 18162686, 27761255, 32219930). This suggests that this residue is clinically significant, and that variants that disrupt this residue are likely to be disease-causing. In summary, the currently available evidence indicates that the variant is pathogenic, but additional data are needed to prove that conclusively. Therefore, this variant has been classified as Likely Pathogenic.

Literature cited by the submitters: PubMed 11668614 (cited by Women's Health and Genetics/Laboratory Corporation of America, LabCorp and Labcorp Genetics (formerly Invitae), Labcorp); PubMed 18162686 (cited by Labcorp Genetics (formerly Invitae), Labcorp); PubMed 27761255 (cited by Labcorp Genetics (formerly Invitae), Labcorp); PubMed 32219930 (cited by Labcorp Genetics (formerly Invitae), Labcorp).

NM_002529.4(NTRK1):c.2144T>C (p.Val715Ala)

Gene: NTRK1 (neurotrophic receptor tyrosine kinase 1; plus strand). Cytogenetic location: 1q23.1.
Variant type: single nucleotide variant.
Coding change: c.2144T>C on transcript NM_002529.4 (MANE Select); coding-DNA position 2144, T replaced by C.
Protein change: p.Val715Ala; replaces valine 715 with alanine.
Molecular consequence: missense variant.
Genome position (GRCh38, 1-based): chr1:156,880,096, T>C. VCF-style: chr1-156880096-T-C. GRCh37 (hg19) VCF-style: chr1-156849888-T-C.
Other names: c.2036T>C, p.Val679Ala (NM_001007792.1); c.2126T>C, p.Val709Ala (NM_001012331.2); short protein forms V679A, V709A, V715A.
Identifiers: ClinVar variation 3251793 (VCV003251793.4), dbSNP rs1455058410.
Genomic context (GRCh38, chr1:156,880,096, plus strand): 5'-CGCCCGAGAGCATCCTGTACCGTAAGTTCACCACCGAGAGCGACGTGTGGAGCTTCGGCG[T>C]GGTGCTCTGGGAGATCTTCACCTACGGCAAGCAGCCCTGGTACCAGCTCTCCAACACGGA-3'
Protein context (NP_002520.2, residues 705-725): TTESDVWSFG[Val715Ala]VLWEIFTYGK